The following is an entry in ClinVar:

NM_004333.6(BRAF):c.138+4A>G

Gene: BRAF (B-Raf proto-oncogene, serine/threonine kinase; minus strand). Cytogenetic location: 7q34.
Variant type: single nucleotide variant.
Coding change: c.138+4A>G on transcript NM_004333.6 (MANE Select); 4 bases into the intron after coding-DNA position 138, A replaced by G.
Molecular consequence: intron variant.
Genome position (GRCh38, 1-based): chr7:140,924,562, T>C on the plus strand (A>G on the coding strand, the complement: BRAF is on the minus strand). VCF-style: chr7-140924562-T-C. GRCh37 (hg19) VCF-style: chr7-140624362-T-C.
Other names: c.138+4A>G (NM_001378474.1, NM_001378470.1, NM_001378475.1 and 7 more transcripts).
Identifiers: ClinVar variation 2836059 (VCV002836059.3), dbSNP rs2536966410, ClinGen allele CA2739278849.

ClinVar aggregate classification (germline): Uncertain significance (1 of 4 stars; one submission).

Conditions:
RASopathy. Also called: rasopathies; Noonan spectrum disorder. Identifiers: Orphanet 536391, MedGen C5555857, MONDO:0021060.

Submission:

Labcorp Genetics (formerly Invitae), Labcorp
Classification: Uncertain significance for RASopathy. Last evaluated: 2023-02-10. Review status: criteria provided, single submitter. Criteria: Invitae Variant Classification Sherloc (09022015). Collection method: clinical testing. Allele origin: germline.
Comment: In summary, the available evidence is currently insufficient to determine the role of this variant in disease. Therefore, it has been classified as a Variant of Uncertain Significance. Variants that disrupt the consensus splice site are a relatively common cause of aberrant splicing (PMID: 17576681, 9536098). Algorithms developed to predict the effect of sequence changes on RNA splicing suggest that this variant may create or strengthen a splice site. This variant has not been reported in the literature in individuals affected with BRAF-related conditions. This variant is not present in population databases (gnomAD no frequency). This sequence change falls in intron 1 of the BRAF gene. It does not directly change the encoded amino acid sequence of the BRAF protein. It affects a nucleotide within the consensus splice site.

Literature cited by the submitters: PubMed 17576681; PubMed 9536098.